The following is an entry in ClinVar:

ClinVar aggregate classification (germline): Uncertain significance (1 of 4 stars; one submission).

Conditions:
Cardiovascular phenotype. Identifiers: MedGen CN230736.

Allele frequency attached by ClinVar (database versions not stated): gnomAD exomes below 0.00001.

Submission:

Ambry Genetics
Classification: Uncertain significance for Cardiovascular phenotype. Last evaluated: 2024-01-01. Review status: criteria provided, single submitter. Criteria: Ambry Variant Classification Scheme 2023. Collection method: clinical testing. Allele origin: germline.
Comment: The p.K959N variant (also known as c.2877G>T), located in coding exon 17 of the EPHB4 gene, results from a G to T substitution at nucleotide position 2877. The lysine at codon 959 is replaced by asparagine, an amino acid with similar properties. This amino acid position is conserved. In addition, this alteration is predicted to be tolerated by in silico analysis. Since supporting evidence is limited at this time, the clinical significance of this alteration remains unclear.

NM_004444.5(EPHB4):c.2877G>T (p.Lys959Asn)

Gene: EPHB4 (EPH receptor B4; minus strand). Cytogenetic location: 7q22.1.
Variant type: single nucleotide variant.
Coding change: c.2877G>T on transcript NM_004444.5 (MANE Select); coding-DNA position 2877, G replaced by T.
Protein change: p.Lys959Asn; replaces lysine 959 with asparagine.
Molecular consequence: missense variant.
Genome position (GRCh38, 1-based): chr7:100,803,548, C>A on the plus strand (G>T on the coding strand, the complement: EPHB4 is on the minus strand). VCF-style: chr7-100803548-C-A. GRCh37 (hg19) VCF-style: chr7-100401170-C-A.
Other names: short protein forms K959N.
Identifiers: ClinVar variation 3224286 (VCV003224286.1), dbSNP rs1249869124, ClinGen allele CA368566077.
Genomic context (GRCh38, chr7:100,803,548, plus strand): 5'-CCCACCCGGGGTTCCCGGCTTGGCCTGGGACTTCATGTGCTGGACACTGGCCAAGATTTT[C>A]TTCTGGTGTCCCGCCAGAGTGACTCCGATTCGGAGCAGGTCCCTGCAGAAGGAAAGGAGA-3'
Protein context (NP_004435.3, residues 949-969): RIGVTLAGHQ[Lys959Asn]KILASVQHMK